The following is an entry in ClinVar:

NM_001199107.2(TBC1D24):c.-119G>C

Genes: TBC1D24 (TBC1 domain family member 24; plus strand), LOC130058245 (ATAC-STARR-seq lymphoblastoid silent region 7054; plus strand). Cytogenetic location: 16p13.3.
Variant type: single nucleotide variant.
Coding change: c.-119G>C on transcript NM_001199107.2 (MANE Select); 119 bases upstream of the start codon, G replaced by C.
Molecular consequence: 5 prime UTR variant.
Genome position (GRCh38, 1-based): chr16:2,475,167, G>C. VCF-style: chr16-2475167-G-C. GRCh37 (hg19) VCF-style: chr16-2525168-G-C.
Other names: c.-119G>C (NM_020705.3).
Identifiers: ClinVar variation 508475 (VCV000508475.1), dbSNP rs1230756942, ClinGen allele CA620393519.

ClinVar aggregate classification (germline): Likely benign (1 of 4 stars; one submission).

Allele frequency attached by ClinVar (database versions not stated): TOPMed 0.00009.
gnomAD v4.1: 3 of 150,194 alleles (0.002%); highest among the groups gnomAD compares: East Asian, 0.019%; no homozygotes.

Submission:

GeneDx
Classification: Likely benign. Last evaluated: 2017-03-27. Review status: criteria provided, single submitter. Criteria: GeneDx Variant Classification (06012015). Collection method: clinical testing. Allele origin: germline. Affected: yes.
Comment: This variant is considered likely benign or benign based on one or more of the following criteria: it is a conservative change, it occurs at a poorly conserved position in the protein, it is predicted to be benign by multiple in silico algorithms, and/or has population frequency not consistent with disease.